The following is an entry in ClinVar:

NM_001042492.3(NF1):c.3658G>A (p.Glu1220Lys)

Gene: NF1 (neurofibromin 1; plus strand). Cytogenetic location: 17q11.2.
Variant type: single nucleotide variant.
Coding change: c.3658G>A on transcript NM_001042492.3 (MANE Select); coding-DNA position 3658, G replaced by A.
Protein change: p.Glu1220Lys; replaces glutamic acid 1220 with lysine.
Molecular consequence: missense variant.
Genome position (GRCh38, 1-based): chr17:31,233,163, G>A. VCF-style: chr17-31233163-G-A. GRCh37 (hg19) VCF-style: chr17-29560181-G-A.
Other names: c.3658G>A, p.Glu1220Lys (NM_000267.4); short protein forms E1220K.
Identifiers: ClinVar variation 645400 (VCV000645400.5), dbSNP rs1597720155, ClinGen allele CA398990502.

ClinVar aggregate classification (germline): Uncertain significance (1 of 4 stars; one submission).

Conditions:
Neurofibromatosis, type 1 (NF1). Also called: NEUROFIBROMATOSIS, TYPE I, SOMATIC; VON RECKLINGHAUSEN DISEASE; Neurofibromatosis, type I; Peripheral type neurofibromatosis. Identifiers: Orphanet 636, MedGen C0027831, MONDO:0018975, OMIM 162200. Disease mechanism: loss of function.

Submission:

Labcorp Genetics (formerly Invitae), Labcorp
Classification: Uncertain significance for Neurofibromatosis, type 1. Last evaluated: 2021-06-30. Review status: criteria provided, single submitter. Criteria: Invitae Variant Classification Sherloc (09022015). Collection method: clinical testing. Allele origin: germline.
Comment: Algorithms developed to predict the effect of missense changes on protein structure and function are either unavailable or do not agree on the potential impact of this missense change (SIFT: "Tolerated"; PolyPhen-2: "Probably Damaging"; Align-GVGD: "Class C0"). This variant has not been reported in the literature in individuals with NF1-related disease. This variant is not present in population databases (ExAC no frequency). This sequence change replaces glutamic acid with lysine at codon 1220 of the NF1 protein (p.Glu1220Lys). The glutamic acid residue is moderately conserved and there is a small physicochemical difference between glutamic acid and lysine. In summary, the available evidence is currently insufficient to determine the role of this variant in disease. Therefore, it has been classified as a Variant of Uncertain Significance.